The following is an entry in ClinVar:

NM_004104.5(FASN):c.4433G>A (p.Ser1478Asn)

Gene: FASN (fatty acid synthase; minus strand). Cytogenetic location: 17q25.3.
Variant type: single nucleotide variant.
Coding change: c.4433G>A on transcript NM_004104.5 (MANE Select); coding-DNA position 4433, G replaced by A.
Protein change: p.Ser1478Asn; replaces serine 1478 with asparagine.
Molecular consequence: missense variant.
Genome position (GRCh38, 1-based): chr17:82,084,930, C>T on the plus strand (G>A on the coding strand, the complement: FASN is on the minus strand). VCF-style: chr17-82084930-C-T. GRCh37 (hg19) VCF-style: chr17-80042806-C-T.
Other names: short protein forms S1478N.
Identifiers: ClinVar variation 3658563 (VCV003658563.2).

ClinVar aggregate classification (germline): Uncertain significance (1 of 4 stars; one submission).

Conditions:
Epileptic encephalopathy. Identifiers: MedGen C0543888, HP:0200134.

gnomAD v4.1: 1 of 1,554,822 alleles (0.000064%); highest among the groups gnomAD compares: Admixed American, 0.0019%; no homozygotes.

Submission:

Labcorp Genetics (formerly Invitae), Labcorp
Classification: Uncertain significance for Epileptic encephalopathy. Last evaluated: 2025-06-09. Review status: criteria provided, single submitter. Criteria: Invitae Variant Classification Sherloc (09022015). Collection method: clinical testing. Allele origin: germline.
Comment: This sequence change replaces serine, which is neutral and polar, with asparagine, which is neutral and polar, at codon 1478 of the FASN protein (p.Ser1478Asn). This variant is present in population databases (no rsID available, gnomAD 0.004%). This variant has not been reported in the literature in individuals affected with FASN-related conditions. ClinVar contains an entry for this variant (Variation ID: 3658563). An algorithm developed to predict the effect of missense changes on protein structure and function outputs the following: PolyPhen-2: "Benign". The asparagine amino acid residue is found in multiple mammalian species, which suggests that this missense change does not adversely affect protein function. In summary, the available evidence is currently insufficient to determine the role of this variant in disease. Therefore, it has been classified as a Variant of Uncertain Significance.